The following is an entry in ClinVar:

NM_001079.4(ZAP70):c.1333G>A (p.Val445Met)

Gene: ZAP70 (zeta chain of T cell receptor associated protein kinase 70; plus strand). Cytogenetic location: 2q11.2.
Variant type: single nucleotide variant.
Coding change: c.1333G>A on transcript NM_001079.4 (MANE Select); coding-DNA position 1333, G replaced by A.
Protein change: p.Val445Met; replaces valine 445 with methionine.
Molecular consequence: missense variant.
Genome position (GRCh38, 1-based): chr2:97,737,516, G>A. VCF-style: chr2-97737516-G-A. GRCh37 (hg19) VCF-style: chr2-98353979-G-A.
Other names: c.1333G>A, p.Val445Met (NM_001378594.1); c.412G>A, p.Val138Met (NM_207519.2); short protein forms V445M, V138M.
Identifiers: ClinVar variation 1987301 (VCV001987301.4), dbSNP rs373787406, ClinGen allele CA52564033.
Genomic context (GRCh38, chr2:97,737,516, plus strand): 5'-CTTCCCCGCCACCCCAGGGAGGAGATCCCTGTGAGCAATGTGGCCGAGCTGCTGCACCAG[G>A]TGTCCATGGGGATGAAGTACCTGGAGGAGAAGAACTTTGTGCACCGTGACCTGGCGGCCC-3'
Protein context (NP_001070.2, residues 435-455): VSNVAELLHQ[Val445Met]SMGMKYLEEK

ClinVar aggregate classification (germline): Uncertain significance (1 of 4 stars; one submission).

Conditions:
Combined immunodeficiency due to ZAP70 deficiency (IMD48). Also called: Immunodeficiency 48; ZAP70 Deficiency. Identifiers: Orphanet 911, MedGen C2931299, MONDO:0010023, OMIM 269840.

gnomAD v4.1: 1 of 1,614,102 alleles (0.000062%); no homozygotes.

Submission:

Labcorp Genetics (formerly Invitae), Labcorp
Classification: Uncertain significance for Combined immunodeficiency due to ZAP70 deficiency. Last evaluated: 2022-07-11. Review status: criteria provided, single submitter. Criteria: Invitae Variant Classification Sherloc (09022015). Collection method: clinical testing. Allele origin: germline.
Comment: This variant is not present in population databases (gnomAD no frequency). This variant has not been reported in the literature in individuals affected with ZAP70-related conditions. Algorithms developed to predict the effect of missense changes on protein structure and function are either unavailable or do not agree on the potential impact of this missense change (SIFT: "Not Available"; PolyPhen-2: "Probably Damaging"; Align-GVGD: "Not Available"). In summary, the available evidence is currently insufficient to determine the role of this variant in disease. Therefore, it has been classified as a Variant of Uncertain Significance. This sequence change replaces valine, which is neutral and non-polar, with methionine, which is neutral and non-polar, at codon 445 of the ZAP70 protein (p.Val445Met).